The following is an entry in ClinVar:

ClinVar aggregate classification (germline): Uncertain significance (1 of 4 stars; one submission).

Submission:

Ambry Genetics
Classification: Uncertain significance. Last evaluated: 2025-06-13. Review status: criteria provided, single submitter. Criteria: Ambry Variant Classification Scheme 2023. Collection method: clinical testing. Allele origin: germline.
Comment: The p.P139A variant (also known as c.415C>G), located in coding exon 1 of the TET2 gene, results from a C to G substitution at nucleotide position 415. The proline at codon 139 is replaced by alanine, an amino acid with highly similar properties. This amino acid position is conserved. In addition, this alteration is predicted to be tolerated by in silico analysis. Based on the available evidence, the clinical significance of this variant remains unclear.

NM_001127208.3(TET2):c.415C>G (p.Pro139Ala)

Genes: TET2 (tet methylcytosine dioxygenase 2; plus strand), TET2-AS1 (TET2 antisense RNA 1; minus strand). Cytogenetic location: 4q24.
Variant type: single nucleotide variant.
Coding change: c.415C>G on transcript NM_001127208.3 (MANE Select); coding-DNA position 415, C replaced by G.
Protein change: p.Pro139Ala; replaces proline 139 with alanine.
Molecular consequence: missense variant.
Genome position (GRCh38, 1-based): chr4:105,234,357, C>G. VCF-style: chr4-105234357-C-G. GRCh37 (hg19) VCF-style: chr4-106155514-C-G.
Other names: c.415C>G, p.Pro139Ala (NM_017628.4); short protein forms P139A.
Identifiers: ClinVar variation 3967712 (VCV003967712.1).
Genomic context (GRCh38, chr4:105,234,357, plus strand): 5'-AATGGAGAAAGACGTAACTTCGGGGTAAGCCAAGAAAGAAATCCAGGTGAAAGCAGTCAA[C>G]CAAATGTCTCCGATTTGAGTGATAAGAAAGAATCTGTGAGTTCTGTAGCCCAAGAAAATG-3'
Protein context (NP_001120680.1, residues 129-149): QERNPGESSQ[Pro139Ala]NVSDLSDKKE